The following is an entry in ClinVar:

NM_022841.7(RFX7):c.299C>G (p.Ser100Cys)

Gene: RFX7 (regulatory factor X7; minus strand). Cytogenetic location: 15q21.3.
Variant type: single nucleotide variant.
Coding change: c.299C>G on transcript NM_022841.7 (MANE Select); coding-DNA position 299, C replaced by G.
Protein change: p.Ser100Cys; replaces serine 100 with cysteine.
Molecular consequence: missense variant.
Genome position (GRCh38, 1-based): chr15:56,142,880, G>C on the plus strand (C>G on the coding strand, the complement: RFX7 is on the minus strand). VCF-style: chr15-56142880-G-C. GRCh37 (hg19) VCF-style: chr15-56435078-G-C.
Other names: c.8C>G, p.Ser3Cys (NM_001368073.2, NM_001368074.1, NM_001370554.1); c.299C>G, p.Ser100Cys (NM_001370561.1); short protein forms S3C, S100C.
Identifiers: ClinVar variation 2287751 (VCV002287751.3), dbSNP rs759805829, ClinGen allele CA7578551.
Genomic context (GRCh38, chr15:56,142,880, plus strand): 5'-GGATGTTCCTCTAGGGTATTCCGAATCCAGGAAAAGGCATGCATTTGTTGTGCCCGACTA[G>C]ATGACATGGCATTCTGATCACTAATAGAATGAAAACATGTTTTAGCTGACCAGACAGCAA-3'
Protein context (NP_073752.6, residues 90-110): GEKSDQNAMS[Ser100Cys]SRAQQMHAFS

ClinVar aggregate classification (germline): Uncertain significance. Review status: criteria provided, multiple submitters, no conflicts (2 of 4 stars). 2 submissions from 2 submitters: Uncertain significance (2). Last evaluated 2025-06-13.

Conditions:
Inborn genetic diseases. Identifiers: MedGen C0950123, MeSH D030342.

Allele frequency attached by ClinVar (database versions not stated): gnomAD exomes below 0.00001; ExAC 0.00001.
gnomAD v4.1: 17 of 1,613,488 alleles (0.0011%); highest among the groups gnomAD compares: African/African-American, 0.021%; no homozygotes.

Submissions (2):

Women's Health and Genetics/Laboratory Corporation of America, LabCorp
Classification: Uncertain significance. Last evaluated: 2025-06-13. Review status: criteria provided, single submitter. Criteria: LabCorp Variant Classification Summary - May 2015. Collection method: clinical testing. Allele origin: germline.
Comment: Variant summary: RFX7 c.299C>G (p.Ser100Cys) results in a non-conservative amino acid change in the encoded protein sequence. Algorithms developed to predict the effect of missense changes on protein structure and function are either unavailable or do not agree on the potential impact of this missense change. The variant allele was found at a frequency of 1.2e-05 in 248868 control chromosomes. The available data on variant occurrences in the general population are insufficient to allow any conclusion about variant significance. To our knowledge, no occurrence of c.299C>G in individuals affected with Intellectual Developmental Disorder, Autosomal Dominant 71, With Behavioral Abnormalities and no experimental evidence demonstrating its impact on protein function have been reported. ClinVar contains an entry for this variant (Variation ID: 2287751). Based on the evidence outlined above, the variant was classified as uncertain significance.

Ambry Genetics
Classification: Uncertain significance for Inborn genetic diseases. Last evaluated: 2022-05-06. Review status: criteria provided, single submitter. Criteria: Ambry Variant Classification Scheme 2023. Collection method: clinical testing. Allele origin: germline.